The following is an entry in ClinVar:

NM_001360.3(DHCR7):c.964-2A>C

Gene: DHCR7 (7-dehydrocholesterol reductase; minus strand). Cytogenetic location: 11q13.4.
Variant type: single nucleotide variant.
Coding change: c.964-2A>C on transcript NM_001360.3 (MANE Select); the canonical splice acceptor site of the intron before coding-DNA position 964, A replaced by C.
Molecular consequence: splice acceptor variant. On other transcripts: synonymous variant (2).
Genome position (GRCh38, 1-based): chr11:71,435,841, T>G on the plus strand (A>C on the coding strand, the complement: DHCR7 is on the minus strand). VCF-style: chr11-71435841-T-G. GRCh37 (hg19) VCF-style: chr11-71146887-T-G.
Other names: c.1096A>C, p.Arg366= (NM_001425112.1); c.1000A>C, p.Arg334= (NM_001425116.1); c.*84A>C (NM_001425119.1); c.964-2A>C (NM_001163817.2).
Identifiers: ClinVar variation 2810893 (VCV002810893.3), dbSNP rs2539210878, ClinGen allele CA381702596.

ClinVar aggregate classification (germline): Pathogenic (1 of 4 stars; one submission).

Conditions:
Smith-Lemli-Opitz syndrome (SLOS). Also called: LETHAL ACRODYSGENITAL SYNDROME; POLYDACTYLY, SEX REVERSAL, RENAL HYPOPLASIA, AND UNILOBAR LUNG; RSH SYNDROME; RUTLEDGE LETHAL MULTIPLE CONGENITAL ANOMALY SYNDROME; 7-Dehydrocholesterol reductase deficiency. Identifiers: Orphanet 818, MedGen C0175694, MONDO:0010035, OMIM 270400.

Submission:

Labcorp Genetics (formerly Invitae), Labcorp
Classification: Pathogenic for Smith-Lemli-Opitz syndrome. Last evaluated: 2022-10-31. Review status: criteria provided, single submitter. Criteria: Invitae Variant Classification Sherloc (09022015). Collection method: clinical testing. Allele origin: germline.
Comment: This sequence change affects an acceptor splice site in intron 8 of the DHCR7 gene. RNA analysis indicates that disruption of this splice site induces altered splicing and likely disrupts the C-terminus of the protein. This variant is not present in population databases (gnomAD no frequency). Disruption of this splice site has been observed in individual(s) with Smith-Lemli-Opitz syndrome (PMID: 10814720, 10995508, 11427181, 23042628). In at least one individual the data is consistent with being in trans (on the opposite chromosome) from a pathogenic variant. Variants that disrupt the consensus splice site are a relatively common cause of aberrant splicing (PMID: 17576681, 9536098). Studies have shown that disruption of this splice site results in activation of a cryptic splice site and introduces a new termination codon (PMID: 9653161). However the mRNA is not expected to undergo nonsense-mediated decay. For these reasons, this variant has been classified as Pathogenic.

Literature cited by the submitters: PubMed 10814720; PubMed 10995508; PubMed 11427181; PubMed 23042628; PubMed 17576681; PubMed 9536098; PubMed 9653161.